The following is an entry in ClinVar:

ClinVar aggregate classification (germline): Conflicting classifications of pathogenicity. Review status: criteria provided, conflicting classifications (1 of 4 stars). 8 submissions from 8 submitters: Uncertain significance (5); Likely benign (2). 1 of the submissions does not count toward it. Last evaluated 2026-04-09.

Conditions:
Familial adenomatous polyposis 1 (FAP1). Also called: FAMILIAL ADENOMATOUS POLYPOSIS 1, ATTENUATED; POLYPOSIS, ADENOMATOUS INTESTINAL. Identifiers: MedGen C2713442, MONDO:0021056, OMIM 175100. Disease mechanism: loss of function.
Hereditary cancer-predisposing syndrome. Also called: Tumor predisposition; Hereditary neoplastic syndrome; Neoplastic Syndromes, Hereditary; Hereditary Cancer Syndrome. Identifiers: Orphanet 140162, MedGen C0027672, MeSH D009386, MONDO:0015356.
APC-related disorder. Also called: APC-related condition.

Allele frequency attached by ClinVar (database versions not stated): TOPMed 0.00005.
gnomAD v4.1: 8 of 1,610,932 alleles (0.0005%); highest among the groups gnomAD compares: Non-Finnish European, 0.00059%; no homozygotes.

Submissions (8):

Women's Health and Genetics/Laboratory Corporation of America, LabCorp
Classification: Uncertain significance. Last evaluated: 2026-04-09. Review status: criteria provided, single submitter. Criteria: LabCorp Variant Classification Summary - May 2015. Collection method: clinical testing. Allele origin: germline.

Labcorp Genetics (formerly Invitae), Labcorp
Classification: Uncertain significance for Familial adenomatous polyposis 1. Last evaluated: 2026-01-19. Review status: criteria provided, single submitter. Criteria: Invitae Variant Classification Sherloc (09022015). Collection method: clinical testing. Allele origin: germline.
Comment: This sequence change replaces threonine, which is neutral and polar, with alanine, which is neutral and non-polar, at codon 281 of the APC protein (p.Thr281Ala). This variant is present in population databases (rs769727966, gnomAD 0.003%). This variant has not been reported in the literature in individuals affected with APC-related conditions. ClinVar contains an entry for this variant (Variation ID: 419733). Invitae Evidence Modeling of protein sequence and biophysical properties (such as structural, functional, and spatial information, amino acid conservation, physicochemical variation, residue mobility, and thermodynamic stability) indicates that this missense variant is not expected to disrupt APC protein function with a negative predictive value of 95%. In summary, the available evidence is currently insufficient to determine the role of this variant in disease. Therefore, it has been classified as a Variant of Uncertain Significance.

Color Diagnostics, LLC DBA Color Health
Classification: Uncertain significance for Hereditary cancer-predisposing syndrome. Last evaluated: 2025-08-20. Review status: criteria provided, single submitter. Criteria: ACMG Guidelines, 2015. Collection method: clinical testing. Allele origin: germline.
Comment: This missense variant replaces threonine with alanine at codon 281 of the APC protein. Computational prediction suggests that this variant may not impact protein structure and function. APC is defined as a gene for which primarily truncating variants are known to cause disease (ClinGen HCCP VCEP). To our knowledge, functional studies have not been reported for this variant. This variant has not been reported in individuals affected with APC-related disorders in the literature. This variant has been identified in 1/251034 chromosomes in the general population by the Genome Aggregation Database (gnomAD). The available evidence is insufficient to determine the role of this variant in disease conclusively. Therefore, this variant is classified as a Variant of Uncertain Significance.

PreventionGenetics, part of Exact Sciences
Classification: Uncertain significance for APC-related condition. Last evaluated: 2022-11-28. Review status: criteria provided, single submitter. Criteria: ACMG Guidelines, 2015. Collection method: clinical testing. Allele origin: germline.
Comment: The APC c.841A>G variant is predicted to result in the amino acid substitution p.Thr281Ala. To our knowledge, this variant has not been reported in the literature. This variant is reported in 0.0029% of alleles in individuals of Latino descent in gnomAD. It is interpreted in ClinVar as likely benign/uncertain significance. At this time, the clinical significance of this variant is uncertain due to the absence of conclusive functional and genetic evidence.

Quest Diagnostics Nichols Institute San Juan Capistrano
Classification: Uncertain significance. Last evaluated: 2021-02-12. Review status: criteria provided, single submitter. Criteria: Quest Diagnostics criteria. Collection method: clinical testing. Allele origin: unknown.

GeneDx
Classification: Likely benign. Last evaluated: 2020-01-30. Review status: criteria provided, single submitter. Criteria: GeneDx Variant Classification Process June 2021. Collection method: clinical testing. Allele origin: germline. Affected: yes.
Comment: This variant is associated with the following publications: (PMID: 24200292, 10854222)

Ambry Genetics
Classification: Likely benign for Hereditary cancer-predisposing syndrome. Last evaluated: 2018-08-01. Review status: criteria provided, single submitter. Criteria: Ambry Variant Classification Scheme 2023. Collection method: clinical testing. Allele origin: germline.

Department of Pathology and Laboratory Medicine, Sinai Health System
Classification: Likely benign. Review status: no assertion criteria provided. Collection method: clinical testing. Allele origin: unknown. Affected: yes. Study: The Canadian Open Genetics Repository (COGR). Not counted in ClinVar's aggregate classification.
Comment: The APC p.Thr281Ala variant was not identified in the literature nor was it identified in the Genesight-COGR, Cosmic, MutDB, UMD-LSDB, Zhejiang Colon Cancer Database, and LOVD3 APC (unavailable). The variant was identified in dbSNP (ID: rs769727966) â€šÃ„ÃºWith Uncertain significance, other alleleâ€šÃ„Ã¹, ClinVar (with conflicting interpretations of pathogenicity; benign by COGR and uncertain significance by GeneDx), Clinvitae (1x), and in control databases in 1 of 245786 chromosomes at a frequency of 0.000004 (Genome Aggregation Database Feb 27, 2017). Breakdown of the observations by population include Latino in 1 of 33548 chromosomes (freq: 0.00003), while not observed in the African, Other, European Non-Finnish, Ashkenazi Jewish, East Asian, European Finnish and South Asian populations. The p.Thr281 residue is not conserved in mammals and computational analyses (PolyPhen-2, SIFT, AlignGVGD, BLOSUM, MutationTaster) do not suggest a high likelihood the variant Ala impacts the protein; however, this information is not predictive enough to rule out pathogenicity. The variant occurs 7 nucleotides into exon 8 but outside of the splicing consensus sequence and 1 of 5 in silico or computational prediction software programs (SpliceSiteFinder, MaxEntScan, NNSPLICE, GeneSplicer, HumanSpliceFinder) predict a greater than 10% difference in splicing; this is not very predictive of pathogenicity. In summary, based on the above information the clinical significance of this variant cannot be determined with certainty at this time although we would lean towards a more benign role for this variant. This variant is classified as likely benign.

NM_000038.6(APC):c.841A>G (p.Thr281Ala)

Gene: APC (APC regulator of Wnt signaling pathway; plus strand). Cytogenetic location: 5q22.2.
Variant type: single nucleotide variant.
Coding change: c.841A>G on transcript NM_000038.6 (MANE Select); coding-DNA position 841, A replaced by G.
Protein change: p.Thr281Ala; replaces threonine 281 with alanine.
Molecular consequence: missense variant. On other transcripts: 5 prime UTR variant (1).
Genome position (GRCh38, 1-based): chr5:112,815,501, A>G. VCF-style: chr5-112815501-A-G. GRCh37 (hg19) VCF-style: chr5-112151198-A-G.
Other names: c.841A>G, p.Thr281Ala (NM_001127510.3, NM_001354895.2, NM_001354896.2 and 1 more transcripts); c.787A>G, p.Thr263Ala (NM_001127511.3); c.871A>G, p.Thr291Ala (NM_001354897.2, NM_001354902.2); c.766A>G, p.Thr256Ala (NM_001354898.2, NM_001354904.2); c.757A>G, p.Thr253Ala (NM_001354899.2); c.664A>G, p.Thr222Ala (NM_001354900.2, NM_001354901.2, NM_001354905.2); c.-9A>G (NM_001354906.2); short protein forms T263A, T281A, T256A, T291A, T222A, T253A.
Identifiers: ClinVar variation 419733 (VCV000419733.30), dbSNP rs769727966, ClinGen allele CA050760.